The following is an entry in ClinVar:

ClinVar aggregate classification (germline): Uncertain significance (1 of 4 stars; one submission).

Conditions:
PRMT7-related disorder. Also called: PRMT7-related condition.

gnomAD v4.1: 7 of 1,611,920 alleles (0.00043%); highest among the groups gnomAD compares: Non-Finnish European, 0.00059%; no homozygotes.

Submission:

PreventionGenetics, part of Exact Sciences
Classification: Uncertain significance for PRMT7-related condition. Last evaluated: 2023-05-12. Review status: criteria provided, single submitter. Criteria: ACMG Guidelines, 2015. Collection method: clinical testing. Allele origin: germline.
Comment: The PRMT7 c.931C>G variant is predicted to result in the amino acid substitution p.Arg311Gly. To our knowledge, this variant has not been reported in the literature. This variant is reported in 0.00090% of alleles in individuals of European (Non-Finnish) descent in gnomAD (1 allele). At this time, the clinical significance of this variant is uncertain due to the absence of conclusive functional and genetic evidence.

NM_019023.5(PRMT7):c.931C>G (p.Arg311Gly)

Gene: PRMT7 (protein arginine methyltransferase 7; plus strand). Cytogenetic location: 16q22.1.
Variant type: single nucleotide variant.
Coding change: c.931C>G on transcript NM_019023.5 (MANE Select); coding-DNA position 931, C replaced by G.
Protein change: p.Arg311Gly; replaces arginine 311 with glycine.
Molecular consequence: missense variant. On other transcripts: non-coding transcript variant (12).
Genome position (GRCh38, 1-based): chr16:68,345,678, C>G. VCF-style: chr16-68345678-C-G. GRCh37 (hg19) VCF-style: chr16-68379581-C-G.
Other names: c.694C>G, p.Arg232Gly (NM_001378021.1, NM_001378022.1, NM_001378023.1); c.781C>G, p.Arg261Gly (NM_001184824.4); c.931C>G, p.Arg311Gly (NM_001290018.2, NM_001351143.3, NM_001351144.3 and 1 more transcripts); c.724C>G, p.Arg242Gly (NM_001378020.1); short protein forms R232G, R242G, R261G, R311G.
Identifiers: ClinVar variation 2632846 (VCV002632846.1), dbSNP rs772735898, ClinGen allele CA396435526.
Genomic context (GRCh38, chr16:68,345,678, plus strand): 5'-TTAGAAGCATTGCTCATACTGCAGCTCGTTGACAGCTGACTCTGTTCTCCGTTTCAGTGG[C>G]GGGACCACTGGATGCAGTGTGTGTACTTCCTGCCACAAGAGGAGCCTGTGGTGCAGGGCT-3'
Protein context (NP_061896.1, residues 301-321): AHSDPEEMQW[Arg311Gly]DHWMQCVYFL